The following is an entry in ClinVar:

ClinVar aggregate classification (germline): Uncertain significance (1 of 4 stars; one submission).

Conditions:
Inborn genetic diseases. Identifiers: MedGen C0950123, MeSH D030342.

gnomAD v4.1: 1 of 1,598,704 alleles (0.000063%); highest among the groups gnomAD compares: South Asian, 0.0011%; no homozygotes.

Submission:

Ambry Genetics
Classification: Uncertain significance for Inborn genetic diseases. Last evaluated: 2024-11-24. Review status: criteria provided, single submitter. Criteria: Ambry Variant Classification Scheme 2023. Collection method: clinical testing. Allele origin: germline.
Comment: The p.K480Q variant (also known as c.1438A>C), located in coding exon 13 of the KDM1A gene, results from an A to C substitution at nucleotide position 1438. The lysine at codon 480 is replaced by glutamine, an amino acid with similar properties. This amino acid position is conserved. In addition, this alteration is predicted to be tolerated by in silico analysis. Based on the available evidence, the clinical significance of this variant remains unclear.

NM_001009999.3(KDM1A):c.1438A>C (p.Lys480Gln)

Gene: KDM1A (lysine demethylase 1A; plus strand). Cytogenetic location: 1p36.12.
Variant type: single nucleotide variant.
Coding change: c.1438A>C on transcript NM_001009999.3 (MANE Select); coding-DNA position 1438, A replaced by C.
Protein change: p.Lys480Gln; replaces lysine 480 with glutamine.
Molecular consequence: missense variant.
Genome position (GRCh38, 1-based): chr1:23,071,249, A>C. VCF-style: chr1-23071249-A-C. GRCh37 (hg19) VCF-style: chr1-23397742-A-C.
Other names: c.1366A>C, p.Lys456Gln (NM_001363654.2, NM_001410763.1, NM_015013.4); c.1426A>C, p.Lys476Gln (NM_001410762.1); short protein forms K480Q, K476Q, K456Q.
Identifiers: ClinVar variation 3532930 (VCV003532930.1).
Genomic context (GRCh38, chr1:23,071,249, plus strand): 5'-TATCTGGAATGGTAAATTTGTATTTTTCCTTCTTAGATGGTAAATTTGAAAGAGAAAATT[A>C]AAGAACTCCATCAGCAATACAAAGAAGCATCTGAAGTAAAGCCACCCAGAGATATTACTG-3'
Protein context (NP_001009999.1, residues 470-490): NKMVNLKEKI[Lys480Gln]ELHQQYKEAS